The following is an entry in ClinVar:

ClinVar aggregate classification (germline): Uncertain significance. Review status: criteria provided, multiple submitters, no conflicts (2 of 4 stars). 2 submissions from 2 submitters: Uncertain significance (2). Last evaluated 2024-12-31.

Conditions:
Monogenic diabetes. Identifiers: Orphanet 183625, MedGen C3888631, MONDO:0015967.

Allele frequency attached by ClinVar (database versions not stated): ExAC 0.00001; gnomAD 0.00001; gnomAD exomes 0.00001 and 0.00003; TOPMed 0.00001.
gnomAD v4.1: 43 of 1,614,030 alleles (0.0027%); highest among the groups gnomAD compares: Non-Finnish European, 0.0032%; no homozygotes.

Submissions (2):

GeneDx
Classification: Uncertain significance. Last evaluated: 2024-12-31. Review status: criteria provided, single submitter. Criteria: GeneDx Variant Classification Process June 2021. Collection method: clinical testing. Allele origin: germline. Affected: yes.
Comment: Not observed at significant frequency in large population cohorts (gnomAD); In silico analysis indicates that this missense variant does not alter protein structure/function; Has not been previously published as pathogenic or benign to our knowledge

Personalized Diabetes Medicine Program, University of Maryland School of Medicine
Classification: Uncertain significance for Monogenic diabetes. Last evaluated: 2017-12-15. Review status: criteria provided, single submitter. Criteria: ACMG Guidelines, 2015. Collection method: research. Allele origin: unknown. Observed: 1 variant allele, 1 heterozygote.
Comment: ACMG criteria: PP3 (8 predictors), BP4 (2 predictors)=VUS

NM_005271.5(GLUD1):c.826G>A (p.Val276Ile)

Gene: GLUD1 (glutamate dehydrogenase 1; minus strand). Cytogenetic location: 10q23.2.
Variant type: single nucleotide variant.
Coding change: c.826G>A on transcript NM_005271.5 (MANE Select); coding-DNA position 826, G replaced by A.
Protein change: p.Val276Ile; replaces valine 276 with isoleucine.
Molecular consequence: missense variant.
Genome position (GRCh38, 1-based): chr10:87,062,751, C>T on the plus strand (G>A on the coding strand, the complement: GLUD1 is on the minus strand). VCF-style: chr10-87062751-C-T. GRCh37 (hg19) VCF-style: chr10-88822508-C-T.
Other names: c.427G>A, p.Val143Ile (NM_001318900.1); c.325G>A, p.Val109Ile (NM_001318901.1, NM_001318902.1, NM_001318904.2 and 2 more transcripts); c.826G>A (NM_005271.3); short protein forms V109I, V143I, V276I.
Identifiers: ClinVar variation 917460 (VCV000917460.3), dbSNP rs768726421, ClinGen allele CA5587575.